The following is an entry in ClinVar:

ClinVar aggregate classification (germline): Uncertain significance. Review status: criteria provided, multiple submitters, no conflicts (2 of 4 stars). 3 submissions from 3 submitters: Uncertain significance (2). 1 of the submissions does not count toward it. Last evaluated 2024-12-05.

Conditions:
Charcot-Marie-Tooth disease axonal type 2S. Also called: CHARCOT-MARIE-TOOTH NEUROPATHY, TYPE 2S; CHARCOT-MARIE-TOOTH DISEASE, AXONAL, AUTOSOMAL RECESSIVE, TYPE 2S. Identifiers: Orphanet 443073, MedGen C4015349, MONDO:0014511, OMIM 616155.
Autosomal recessive distal spinal muscular atrophy 1. Also called: SEVERE INFANTILE AXONAL NEUROPATHY WITH RESPIRATORY FAILURE; SPINAL MUSCULAR ATROPHY, DIAPHRAGMATIC; Spinal muscular atrophy with respiratory distress 1; HMN VI; NEURONOPATHY, SEVERE INFANTILE AXONAL, WITH RESPIRATORY FAILURE; NEURONOPATHY, DISTAL HEREDITARY MOTOR, HARDING TYPE VI. Identifiers: Orphanet 98920, MedGen C1858517, MONDO:0011436, OMIM 604320.
Charcot-Marie-Tooth disease. Also called: Charcot-Marie-Tooth Neuropathy; Charcot-Marie-Tooth Hereditary Neuropathy. Identifiers: Orphanet 166, MedGen C0007959, MONDO:0015626.
Autosomal dominant intermediate Charcot-Marie-Tooth disease. Identifiers: Orphanet 90114, MedGen C5680178, MONDO:0019548.

Allele frequency attached by ClinVar (database versions not stated): gnomAD exomes below 0.00001.
gnomAD v4.1: 2 of 1,614,080 alleles (0.00012%); highest among the groups gnomAD compares: Non-Finnish European, 0.00017%; no homozygotes.

Submissions (3):

Labcorp Genetics (formerly Invitae), Labcorp
Classification: Uncertain significance for Autosomal recessive distal spinal muscular atrophy 1; Charcot-Marie-Tooth disease axonal type 2S. Last evaluated: 2024-12-05. Review status: criteria provided, single submitter. Criteria: Invitae Variant Classification Sherloc (09022015). Collection method: clinical testing. Allele origin: germline.
Comment: This sequence change replaces tyrosine, which is neutral and polar, with histidine, which is basic and polar, at codon 642 of the IGHMBP2 protein (p.Tyr642His). This variant is present in population databases (no rsID available, gnomAD 0.0009%). This missense change has been observed in individual(s) with Charcot-Marie-Tooth disease (PMID: 32376792, 34255403). ClinVar contains an entry for this variant (Variation ID: 694859). Invitae Evidence Modeling of protein sequence and biophysical properties (such as structural, functional, and spatial information, amino acid conservation, physicochemical variation, residue mobility, and thermodynamic stability) has been performed for this missense variant. However, the output from this modeling did not meet the statistical confidence thresholds required to predict the impact of this variant on IGHMBP2 protein function. In summary, the available evidence is currently insufficient to determine the role of this variant in disease. Therefore, it has been classified as a Variant of Uncertain Significance.

Molecular Genetics Laboratory, London Health Sciences Centre
Classification: Uncertain significance for Charcot-Marie-Tooth disease. Review status: criteria provided, single submitter. Criteria: ACMG Guidelines, 2015. Collection method: clinical testing. Allele origin: germline. Affected: yes.

Genesis Genome Database
Classification: Uncertain significance for Autosomal dominant intermediate Charcot-Marie-Tooth disease. Last evaluated: 2019-08-14. Review status: no assertion criteria provided. Collection method: research. Allele origin: germline. Affected: yes. Not counted in ClinVar's aggregate classification.

Literature cited by the submitters: PubMed 32376792 (cited by Labcorp Genetics (formerly Invitae), Labcorp); PubMed 34255403 (cited by Labcorp Genetics (formerly Invitae), Labcorp).

NM_002180.3(IGHMBP2):c.1924T>C (p.Tyr642His)

Gene: IGHMBP2 (immunoglobulin mu DNA binding protein 2; plus strand). Cytogenetic location: 11q13.3.
Variant type: single nucleotide variant.
Coding change: c.1924T>C on transcript NM_002180.3 (MANE Select); coding-DNA position 1924, T replaced by C.
Protein change: p.Tyr642His; replaces tyrosine 642 with histidine.
Molecular consequence: missense variant.
Genome position (GRCh38, 1-based): chr11:68,936,404, T>C. VCF-style: chr11-68936404-T-C. GRCh37 (hg19) VCF-style: chr11-68703872-T-C.
Other names: short protein forms Y642H.
Identifiers: ClinVar variation 694859 (VCV000694859.7), dbSNP rs1413846126, ClinGen allele CA381652009.
Genomic context (GRCh38, chr11:68,936,404, plus strand): 5'-TTTTTGAAGACCCTGGTGGAGTATTTCACACAGCATGGGGAAGTACGCACGGCCTTTGAG[T>C]ATCTTGACGATATTGTCCCAGAAAACTATTCCCATGAGAACTCCCAGGGTTCCAGCCACG-3'
Protein context (NP_002171.2, residues 632-652): QHGEVRTAFE[Tyr642His]LDDIVPENYS